The following is an entry in ClinVar:

NM_001903.5(CTNNA1):c.468+1G>T

Gene: CTNNA1 (catenin alpha 1; plus strand). Cytogenetic location: 5q31.2.
Variant type: single nucleotide variant.
Coding change: c.468+1G>T on transcript NM_001903.5 (MANE Select); the canonical splice donor site of the intron after coding-DNA position 468, G replaced by T.
Molecular consequence: splice donor variant.
Genome position (GRCh38, 1-based): chr5:138,810,205, G>T. VCF-style: chr5-138810205-G-T. GRCh37 (hg19) VCF-style: chr5-138145894-G-T.
Other names: c.468+1G>T (NM_001323982.2, NM_001323984.2, NM_001290307.3 and 4 more transcripts); c.99+1G>T (NM_001290310.3); c.159+1G>T (NM_001290309.3).
Identifiers: ClinVar variation 2673290 (VCV002673290.2), dbSNP rs1758534276, ClinGen allele CA361123824.

ClinVar aggregate classification (germline): Likely pathogenic. Review status: criteria provided, multiple submitters, no conflicts (2 of 4 stars). 2 submissions from 2 submitters: Likely pathogenic (2). Last evaluated 2025-11-24.

Conditions:
Hereditary diffuse gastric adenocarcinoma (HDGC). Also called: DIFFUSE GASTRIC AND LOBULAR BREAST CANCER SYNDROME. Identifiers: Orphanet 26106, MedGen C1708349, MONDO:0007648, OMIM 137215.
Hereditary cancer-predisposing syndrome. Also called: Tumor predisposition; Neoplastic Syndromes, Hereditary; Hereditary Cancer Syndrome; Hereditary neoplastic syndrome. Identifiers: Orphanet 140162, MedGen C0027672, MeSH D009386, MONDO:0015356.

Allele frequency attached by ClinVar (database versions not stated): gnomAD exomes below 0.00001.
gnomAD v4.1: 1 of 1,613,756 alleles (0.000062%); highest among the groups gnomAD compares: Non-Finnish European, 0.000085%; no homozygotes.

Submissions (2):

Ambry Genetics
Classification: Likely pathogenic for Hereditary cancer-predisposing syndrome. Last evaluated: 2025-11-24. Review status: criteria provided, single submitter. Criteria: Ambry Variant Classification Scheme 2023. Collection method: clinical testing. Allele origin: germline.
Comment: The c.468+1G>T intronic variant results from a G to T substitution one nucleotide after coding exon 3 of the CTNNA1 gene. This variant is considered to be rare based on population cohorts in the Genome Aggregation Database (gnomAD). This nucleotide position is highly conserved in available vertebrate species. In silico splice site analysis predicts that this alteration will weaken the native splice donor site. Alterations that disrupt the canonical splice site are expected to cause aberrant splicing, resulting in an abnormal protein or a transcript that is subject to nonsense-mediated mRNA decay. As such, this alteration is classified as likely pathogenic.

Myriad Genetics, Inc.
Classification: Likely pathogenic for Hereditary diffuse gastric adenocarcinoma. Last evaluated: 2023-07-05. Review status: criteria provided, single submitter. Criteria: Myriad Autosomal Dominant, Autosomal Recessive and X-Linked Classification Criteria (2023). Collection method: clinical testing. Allele origin: unknown.
Comment: This variant is considered likely pathogenic. This variant occurs within a consensus splice junction and is predicted to result in abnormal mRNA splicing of either an out-of-frame exon or an in-frame exon necessary for protein stability and/or normal function.